The following is an entry in ClinVar:

NM_001371928.1(AHDC1):c.564C>G (p.Ala188=)

Gene: AHDC1 (AT-hook DNA binding motif containing 1; minus strand). Cytogenetic location: 1p36.11.
Variant type: single nucleotide variant.
Coding change: c.564C>G on transcript NM_001371928.1 (MANE Select); coding-DNA position 564, C replaced by G.
Protein change: p.Ala188=; no amino-acid change (alanine 188 retained).
Molecular consequence: synonymous variant.
Genome position (GRCh38, 1-based): chr1:27,551,552, G>C on the plus strand (C>G on the coding strand, the complement: AHDC1 is on the minus strand). VCF-style: chr1-27551552-G-C. GRCh37 (hg19) VCF-style: chr1-27878063-G-C.
Other names: c.564C>G, p.Ala188= (NM_001029882.3).
Identifiers: ClinVar variation 3389251 (VCV003389251.14).

ClinVar aggregate classification (germline): Likely benign (1 of 4 stars; one submission).

gnomAD v4.1: 65 of 1,607,670 alleles (0.004%); highest among the groups gnomAD compares: Non-Finnish European, 0.0051%; no homozygotes.

Submission:

CeGaT Center for Human Genetics Tuebingen
Classification: Likely benign. Last evaluated: 2024-11-01. Review status: criteria provided, single submitter. Criteria: CeGaT Center For Human Genetics Tuebingen Variant Classification Criteria Version 2. Collection method: clinical testing. Allele origin: germline. Affected: yes. Observed: 1 variant allele.
Comment: AHDC1: BP4, BP7